The following is an entry in ClinVar:

ClinVar aggregate classification (germline): Uncertain significance. Review status: criteria provided, multiple submitters, no conflicts (2 of 4 stars). 2 submissions from 2 submitters: Uncertain significance (2). Last evaluated 2026-04-20.

Conditions:
Cardiovascular phenotype. Identifiers: MedGen CN230736.
Progressive familial heart block type IB (PFHB1B). Identifiers: Orphanet 871, MedGen C1970298, MONDO:0011474, OMIM 604559.

Submissions (2):

Ambry Genetics
Classification: Uncertain significance for Cardiovascular phenotype. Last evaluated: 2026-04-20. Review status: criteria provided, single submitter. Criteria: Ambry Variant Classification Scheme 2023. Collection method: clinical testing. Allele origin: germline.
Comment: The p.P847H variant (also known as c.2540C>A), located in coding exon 17 of the TRPM4 gene, results from a C to A substitution at nucleotide position 2540. The proline at codon 847 is replaced by histidine, an amino acid with similar properties. This amino acid position is conserved. In addition, this alteration is predicted to be tolerated by in silico analysis. Based on the available evidence, the clinical significance of this variant remains unclear.

Labcorp Genetics (formerly Invitae), Labcorp
Classification: Uncertain significance for Progressive familial heart block type IB. Last evaluated: 2024-09-09. Review status: criteria provided, single submitter. Criteria: Invitae Variant Classification Sherloc (09022015). Collection method: clinical testing. Allele origin: germline.
Comment: This sequence change replaces proline, which is neutral and non-polar, with histidine, which is basic and polar, at codon 847 of the TRPM4 protein (p.Pro847His). This variant is not present in population databases (gnomAD no frequency). This variant has not been reported in the literature in individuals affected with TRPM4-related conditions. An algorithm developed to predict the effect of missense changes on protein structure and function outputs the following: PolyPhen-2: "Benign". The histidine amino acid residue is found in multiple mammalian species, which suggests that this missense change does not adversely affect protein function. In summary, the available evidence is currently insufficient to determine the role of this variant in disease. Therefore, it has been classified as a Variant of Uncertain Significance.

NM_017636.4(TRPM4):c.2540C>A (p.Pro847His)

Gene: TRPM4 (transient receptor potential cation channel subfamily M member 4; plus strand). Cytogenetic location: 19q13.33.
Variant type: single nucleotide variant.
Coding change: c.2540C>A on transcript NM_017636.4 (MANE Select); coding-DNA position 2540, C replaced by A.
Protein change: p.Pro847His; replaces proline 847 with histidine.
Molecular consequence: missense variant. On other transcripts: intron variant (1).
Genome position (GRCh38, 1-based): chr19:49,196,769, C>A. VCF-style: chr19-49196769-C-A. GRCh37 (hg19) VCF-style: chr19-49700026-C-A.
Other names: c.2540C>A (NM_017636.3); c.2195C>A, p.Pro732His (NM_001321281.2); c.932C>A, p.Pro311His (NM_001321282.2); c.2018C>A, p.Pro673His (NM_001321283.2); c.1478C>A, p.Pro493His (NM_001321285.2); c.2211-3531C>A (NM_001195227.2); short protein forms P673H, P311H, P493H, P732H, P847H.
Identifiers: ClinVar variation 3630950 (VCV003630950.3).
Genomic context (GRCh38, chr19:49,196,769, plus strand): 5'-AGGAACTGCGCCAGGGCCTGAGCGGAGGCGGGGGCAGCCTCGCCAGCGGGGGCCCCGGGC[C>A]TGGCCATGCCTCACTGAGCCAGCGCCTGCGCCTCTACCTCGCCGACAGCTGGAACCAGTG-3'
Protein context (NP_060106.2, residues 837-857): GGSLASGGPG[Pro847His]GHASLSQRLR